The following is an entry in ClinVar:

NM_001283009.2(RTEL1):c.2938C>A (p.Pro980Thr)

Genes: RTEL1 (regulator of telomere elongation helicase 1; plus strand), RTEL1-TNFRSF6B (RTEL1-TNFRSF6B readthrough (NMD candidate); plus strand). Cytogenetic location: 20q13.33.
Variant type: single nucleotide variant.
Coding change: c.2938C>A on transcript NM_001283009.2 (MANE Select); coding-DNA position 2938, C replaced by A.
Protein change: p.Pro980Thr; replaces proline 980 with threonine.
Molecular consequence: missense variant. On other transcripts: non-coding transcript variant (1).
Genome position (GRCh38, 1-based): chr20:63,693,229, C>A. VCF-style: chr20-63693229-C-A. GRCh37 (hg19) VCF-style: chr20-62324582-C-A.
Other names: c.2269C>A, p.Pro757Thr (NM_001283010.1); c.2938C>A, p.Pro980Thr (NM_016434.4); c.3010C>A, p.Pro1004Thr (NM_032957.5); short protein forms P1004T, P980T, P757T.
Identifiers: ClinVar variation 4157574 (VCV004157574.1).

ClinVar aggregate classification (germline): Uncertain significance (1 of 4 stars; one submission).

Conditions:
Inborn genetic diseases. Identifiers: MedGen C0950123, MeSH D030342.

Submission:

Ambry Genetics
Classification: Uncertain significance for Inborn genetic diseases. Last evaluated: 2025-06-26. Review status: criteria provided, single submitter. Criteria: Ambry Variant Classification Scheme 2023. Collection method: clinical testing. Allele origin: germline.
Comment: The p.P980T variant (also known as c.2938C>A), located in coding exon 29 of the RTEL1 gene, results from a C to A substitution at nucleotide position 2938. The proline at codon 980 is replaced by threonine, an amino acid with highly similar properties. This amino acid position is conserved. In addition, this alteration is predicted to be tolerated by in silico analysis. Based on the available evidence, the clinical significance of this variant remains unclear.